The following is an entry in ClinVar:

ClinVar aggregate classification (germline): Pathogenic (1 of 4 stars; one submission).

Conditions:
Primary ciliary dyskinesia. Also called: Ciliary dyskinesia. Identifiers: Orphanet 244, MedGen C0008780, MONDO:0016575, HP:0012265.

Allele frequency attached by ClinVar (database versions not stated): gnomAD exomes below 0.00001.

Submission:

Labcorp Genetics (formerly Invitae), Labcorp
Classification: Pathogenic for Primary ciliary dyskinesia. Last evaluated: 2022-12-18. Review status: criteria provided, single submitter. Criteria: Invitae Variant Classification Sherloc (09022015). Collection method: clinical testing. Allele origin: germline.
Comment: For these reasons, this variant has been classified as Pathogenic. This variant has not been reported in the literature in individuals affected with DNAH8-related conditions. This variant is not present in population databases (gnomAD no frequency). This sequence change creates a premature translational stop signal (p.Thr2042Lysfs*8) in the DNAH8 gene. It is expected to result in an absent or disrupted protein product. Loss-of-function variants in DNAH8 are known to be pathogenic (PMID: 24307375, 32619401, 32681648).

Literature cited by the submitters: PubMed 24307375; PubMed 32619401; PubMed 32681648.

NM_001206927.2(DNAH8):c.6125del (p.Thr2042fs)

Gene: DNAH8 (dynein axonemal heavy chain 8; plus strand). Cytogenetic location: 6p21.2.
Variant type: Deletion.
Coding change: c.6125del on transcript NM_001206927.2 (MANE Select); coding-DNA position 6125, one base deleted (C; older notation c.6125delC).
Protein change: p.Thr2042fs; shifts the reading frame from threonine 2042.
Molecular consequence: frameshift variant.
Genome position (GRCh38, 1-based): chr6:38,860,623, C deleted. VCF-style (leftmost placement, unchanged base first): chr6-38860622-AC-A. GRCh37 (hg19) VCF-style: chr6-38828398-AC-A.
Other names: c.5474del, p.Thr1825fs (NM_001371.4); short protein forms T1825fs, T2042fs.
Identifiers: ClinVar variation 2790617 (VCV002790617.3), dbSNP rs2532975061, ClinGen allele CA2678597107.